The following is an entry in ClinVar:

ClinVar aggregate classification (germline): Uncertain significance (1 of 4 stars; one submission).

Conditions:
Neuropathy, hereditary sensory and autonomic, type 2A (HSAN2A). Also called: MORVAN DISEASE; NEUROPATHY, CONGENITAL SENSORY; NEUROPATHY, HEREDITARY SENSORY RADICULAR, AUTOSOMAL RECESSIVE; NEUROPATHY, HEREDITARY SENSORY, TYPE IIA; NEUROPATHY, PROGRESSIVE SENSORY, OF CHILDREN; WNK1-Related HSAN2 (HSAN2A). Identifiers: Orphanet 970, MedGen C2752089, MONDO:0024309, OMIM 201300.
Pseudohypoaldosteronism type 2C (PHA2C). Also called: Pseudohypoaldosteronism Type IIC. Identifiers: Orphanet 757, Orphanet 88940, MedGen C1840391, MONDO:0013778, OMIM 614492.

gnomAD v4.1: 2 of 1,613,964 alleles (0.00012%); highest among the groups gnomAD compares: Non-Finnish European, 0.00017%; no homozygotes.

Submission:

Labcorp Genetics (formerly Invitae), Labcorp
Classification: Uncertain significance for Neuropathy, hereditary sensory and autonomic, type 2A; Pseudohypoaldosteronism type 2C. Last evaluated: 2020-05-11. Review status: criteria provided, single submitter. Criteria: Invitae Variant Classification Sherloc (09022015). Collection method: clinical testing. Allele origin: germline.
Comment: In summary, the available evidence is currently insufficient to determine the role of this variant in disease. Therefore, it has been classified as a Variant of Uncertain Significance. Algorithms developed to predict the effect of missense changes on protein structure and function are either unavailable or do not agree on the potential impact of this missense change (SIFT: "Deleterious"; PolyPhen-2: "Not Available"; Align-GVGD: "Class C0"). This variant has not been reported in the literature in individuals with WNK1-related conditions. This variant is not present in population databases (ExAC no frequency). This sequence change replaces glutamine with histidine at codon 902 of the WNK1 protein (p.Gln902His). The glutamine residue is weakly conserved and there is a small physicochemical difference between glutamine and histidine.

NM_213655.5(WNK1):c.2706G>T (p.Gln902His)

Gene: WNK1 (WNK lysine deficient protein kinase 1; plus strand). Cytogenetic location: 12p13.33.
Variant type: single nucleotide variant.
Coding change: c.2706G>T on transcript NM_213655.5 (MANE Plus Clinical); coding-DNA position 2706, G replaced by T.
Protein change: p.Gln902His; replaces glutamine 902 with histidine.
Molecular consequence: missense variant. On other transcripts: intron variant (2).
Genome position (GRCh38, 1-based): chr12:868,177, G>T. VCF-style: chr12-868177-G-T. GRCh37 (hg19) VCF-style: chr12-977343-G-T.
Other names: c.2451G>T, p.Gln817His (NM_001184985.2); c.2140-3088G>T (NM_018979.4, NM_014823.3); short protein forms Q817H, Q902H.
Identifiers: ClinVar variation 1062337 (VCV001062337.9), dbSNP rs2154071599, ClinGen allele CA383339445.